The following is an entry in ClinVar:

ClinVar aggregate classification (germline): Conflicting classifications of pathogenicity. Review status: criteria provided, conflicting classifications (1 of 4 stars). 3 submissions from 3 submitters: Uncertain significance (2); Likely benign (1). Last evaluated 2025-08-11.

Conditions:
Inborn genetic diseases. Identifiers: MedGen C0950123, MeSH D030342.
Baller-Gerold syndrome (BGS). Also called: CRANIOSYNOSTOSIS WITH RADIAL DEFECTS. Identifiers: Orphanet 1225, MedGen C0265308, MONDO:0009039, OMIM 218600.

Allele frequency attached by ClinVar (database versions not stated): ExAC 0.00001.
gnomAD v4.1: 7 of 1,611,814 alleles (0.00043%); highest among the groups gnomAD compares: Non-Finnish European, 0.00025%; no homozygotes.

Submissions (3):

Labcorp Genetics (formerly Invitae), Labcorp
Classification: Likely benign for Baller-Gerold syndrome. Last evaluated: 2025-08-11. Review status: criteria provided, single submitter. Criteria: Invitae Variant Classification Sherloc (09022015). Collection method: clinical testing. Allele origin: germline.

Ambry Genetics
Classification: Uncertain significance for Inborn genetic diseases. Last evaluated: 2025-03-08. Review status: criteria provided, single submitter. Criteria: Ambry Variant Classification Scheme 2023. Collection method: clinical testing. Allele origin: germline.
Comment: The p.A282G variant (also known as c.845C>G), located in coding exon 5 of the RECQL4 gene, results from a C to G substitution at nucleotide position 845. The alanine at codon 282 is replaced by glycine, an amino acid with similar properties. This amino acid position is conserved. In addition, this alteration is predicted to be tolerated by in silico analysis. Based on the available evidence, the clinical significance of this variant remains unclear.

Breakthrough Genomics
Classification: Uncertain significance. Review status: criteria provided, single submitter. Criteria: ACMG Guidelines, 2015. Collection method: not provided. Allele origin: germline. Inheritance: Autosomal recessive inheritance. Affected: yes.

NM_004260.4(RECQL4):c.845C>G (p.Ala282Gly)

Gene: RECQL4 (RecQ like helicase 4; minus strand). Cytogenetic location: 8q24.3.
Variant type: single nucleotide variant.
Coding change: c.845C>G on transcript NM_004260.4 (MANE Select); coding-DNA position 845, C replaced by G.
Protein change: p.Ala282Gly; replaces alanine 282 with glycine.
Molecular consequence: missense variant.
Genome position (GRCh38, 1-based): chr8:144,516,274, G>C on the plus strand (C>G on the coding strand, the complement: RECQL4 is on the minus strand). VCF-style: chr8-144516274-G-C. GRCh37 (hg19) VCF-style: chr8-145741658-G-C.
Other names: short protein forms A282G.
Identifiers: ClinVar variation 459519 (VCV000459519.8), dbSNP rs770138627, ClinGen allele CA4949166.